The following is an entry in ClinVar:

ClinVar aggregate classification (germline): Uncertain significance (1 of 4 stars; one submission).

Conditions:
Hereditary cancer-predisposing syndrome. Also called: Neoplastic Syndromes, Hereditary; Tumor predisposition; Hereditary Cancer Syndrome; Hereditary neoplastic syndrome. Identifiers: Orphanet 140162, MedGen C0027672, MeSH D009386, MONDO:0015356.

Submission:

Ambry Genetics
Classification: Uncertain significance for Hereditary cancer-predisposing syndrome. Last evaluated: 2026-01-06. Review status: criteria provided, single submitter. Criteria: Ambry Variant Classification Scheme 2023. Collection method: clinical testing. Allele origin: germline.
Comment: The c.981_983delAAA variant (also known as p.K327del) is located in coding exon 10 of the RB1 gene. This variant results from an in-frame AAA deletion at nucleotide positions 981 to 983. This results in the in-frame deletion of a lysine at codon 327. This amino acid position is highly conserved in available vertebrate species. In addition, this variant is predicted to be deleterious by in silico analysis (Choi Y et al. PLoS ONE. 2012; 7(10):e46688). Based on the available evidence, the clinical significance of this variant remains unclear.

NM_000321.3(RB1):c.981_983del (p.Lys327del)

Gene: RB1 (RB transcriptional corepressor 1; plus strand). Cytogenetic location: 13q14.2.
Variant type: Deletion.
Coding change: c.981_983del on transcript NM_000321.3 (MANE Select); coding-DNA positions 981 to 983, 3 bases deleted (AAA; older notation c.981_983delAAA).
Protein change: p.Lys327del; deletes lysine 327.
Genome position (GRCh38, 1-based): chr13:48,367,535-48,367,537, AAA deleted; deleting any 3 consecutive bases within chr13:48,367,533-48,367,537 gives the same sequence; the c. name uses the placement nearest the transcript's 3' end. VCF-style (leftmost placement, unchanged base first): chr13-48367532-TAAA-T. GRCh37 (hg19) VCF-style: chr13-48941668-TAAA-T.
Other names: c.981_983del, p.Lys327del (NM_001407165.1, NM_001407166.1); short protein forms K327del.
Identifiers: ClinVar variation 4842602 (VCV004842602.1).